The following is an entry in ClinVar:

ClinVar aggregate classification (germline): Conflicting classifications of pathogenicity. Review status: criteria provided, conflicting classifications (1 of 4 stars). 2 submissions from 2 submitters: Uncertain significance (1); Likely benign (1). Last evaluated 2018-01-03.

Conditions:
Multicentric osteolysis nodulosis arthropathy spectrum. Identifiers: Orphanet 3460, Orphanet 371428, MedGen C1850155, MONDO:0018298.

Allele frequency attached by ClinVar (database versions not stated): 1000 Genomes Project 30x 0.00016.
gnomAD v4.1: 70 of 1,613,982 alleles (0.0043%); highest among the groups gnomAD compares: South Asian, 0.046%; no homozygotes.

Submissions (2):

Labcorp Genetics (formerly Invitae), Labcorp
Classification: Likely benign. Last evaluated: 2018-01-03. Review status: criteria provided, single submitter. Criteria: Invitae Variant Classification Sherloc (09022015). Collection method: clinical testing. Allele origin: germline.

Illumina Laboratory Services, Illumina
Classification: Uncertain significance for Multicentric osteolysis, nodulosis, and arthropathy. Last evaluated: 2017-04-28. Review status: criteria provided, single submitter. Criteria: ICSL Variant Classification Criteria 13 December 2019. Collection method: clinical testing. Allele origin: germline.
Comment: This variant was observed as part of a predisposition screen in an ostensibly healthy population. A literature search was performed for the gene, cDNA change, and amino acid change (where applicable). Publications were found based on this search. However, the evidence from the literature, in combination with allele frequency data from public databases where available, was not sufficient to rule this variant in or out of causing disease. Therefore, this variant is classified as a variant of unknown significance.

Literature cited by the submitters: PubMed 25600631 (cited by Illumina Laboratory Services, Illumina); PubMed 25704319 (cited by Illumina Laboratory Services, Illumina); PubMed 19019335 (cited by Illumina Laboratory Services, Illumina); PubMed 20617897 (cited by Illumina Laboratory Services, Illumina); PubMed 20673868 (cited by Illumina Laboratory Services, Illumina); PubMed 16458924 (cited by Illumina Laboratory Services, Illumina).

NM_004530.6(MMP2):c.1842C>T (p.Pro614=)

Gene: MMP2 (matrix metallopeptidase 2; plus strand). Cytogenetic location: 16q12.2.
Variant type: single nucleotide variant.
Coding change: c.1842C>T on transcript NM_004530.6 (MANE Select); coding-DNA position 1842, C replaced by T.
Protein change: p.Pro614=; no amino-acid change (proline 614 retained).
Molecular consequence: synonymous variant.
Genome position (GRCh38, 1-based): chr16:55,502,851, C>T. VCF-style: chr16-55502851-C-T. GRCh37 (hg19) VCF-style: chr16-55536763-C-T.
Other names: c.1692C>T, p.Pro564= (NM_001127891.3); c.1614C>T, p.Pro538= (NM_001302508.1, NM_001302509.2, NM_001302510.2).
Identifiers: ClinVar variation 732303 (VCV000732303.7), dbSNP rs11541998, ClinGen allele CA8060595.